The following is an entry in ClinVar:

NM_001378609.3(OTOGL):c.5445T>A (p.Cys1815Ter)

Gene: OTOGL (otogelin like; plus strand). Cytogenetic location: 12q21.31.
Variant type: single nucleotide variant.
Coding change: c.5445T>A on transcript NM_001378609.3 (MANE Select); coding-DNA position 5445, T replaced by A.
Protein change: p.Cys1815Ter; replaces cysteine 1815 with a stop codon.
Molecular consequence: nonsense.
Genome position (GRCh38, 1-based): chr12:80,353,362, T>A. VCF-style: chr12-80353362-T-A. GRCh37 (hg19) VCF-style: chr12-80747142-T-A.
Other names: c.5310T>A, p.Cys1770Ter (NM_001368062.3); c.5445T>A, p.Cys1815Ter (NM_001378610.3, NM_173591.7); short protein forms C1770*, C1815*.
Identifiers: ClinVar variation 3668335 (VCV003668335.2).

ClinVar aggregate classification (germline): Pathogenic (1 of 4 stars; one submission).

gnomAD v4.1: 6 of 1,597,640 alleles (0.00038%); highest among the groups gnomAD compares: South Asian, 0.0069%; no homozygotes.

Submission:

Labcorp Genetics (formerly Invitae), Labcorp
Classification: Pathogenic. Last evaluated: 2024-12-18. Review status: criteria provided, single submitter. Criteria: Invitae Variant Classification Sherloc (09022015). Collection method: clinical testing. Allele origin: germline.
Comment: This sequence change creates a premature translational stop signal (p.Cys1806*) in the OTOGL gene. It is expected to result in an absent or disrupted protein product. Loss-of-function variants in OTOGL are known to be pathogenic (PMID: 23122586). This variant is not present in population databases (gnomAD no frequency). This variant has not been reported in the literature in individuals affected with OTOGL-related conditions. For these reasons, this variant has been classified as Pathogenic.

Literature cited by the submitters: PubMed 23122586.